The following is an entry in ClinVar:

ClinVar aggregate classification (germline): Uncertain significance. Review status: criteria provided, multiple submitters, no conflicts (2 of 4 stars). 2 submissions from 2 submitters: Uncertain significance (2). Last evaluated 2026-02-13.

gnomAD v4.1: 12 of 1,613,544 alleles (0.00074%); highest among the groups gnomAD compares: Non-Finnish European, 0.00093%; no homozygotes.

Submissions (2):

Women's Health and Genetics/Laboratory Corporation of America, LabCorp
Classification: Uncertain significance. Last evaluated: 2026-02-13. Review status: criteria provided, single submitter. Criteria: LabCorp Variant Classification Summary - May 2015. Collection method: clinical testing. Allele origin: germline.
Comment: Variant summary: ZNF687 c.3283C>G (p.Pro1095Ala) results in a non-conservative amino acid change in the encoded protein sequence. Algorithms developed to predict the effect of missense changes on protein structure and function are either unavailable or do not agree on the potential impact of this missense change. The variant allele was found at a frequency of 1.2e-05 in 250790 control chromosomes. The available data on variant occurrences in the general population are insufficient to allow any conclusion about variant significance. To our knowledge, no occurrence of c.3283C>G in individuals affected with ZNF687-related conditions and no experimental evidence demonstrating its impact on protein function have been reported. ClinVar contains an entry for this variant (Variation ID: 4211510). Based on the evidence outlined above, the variant was classified as uncertain significance.

Ambry Genetics
Classification: Uncertain significance. Last evaluated: 2025-08-12. Review status: criteria provided, single submitter. Criteria: Ambry Variant Classification Scheme 2023. Collection method: clinical testing. Allele origin: germline.

NM_020832.3(ZNF687):c.3283C>G (p.Pro1095Ala)

Gene: ZNF687 (zinc finger protein 687; plus strand). Cytogenetic location: 1q21.3.
Variant type: single nucleotide variant.
Coding change: c.3283C>G on transcript NM_020832.3 (MANE Select); coding-DNA position 3283, C replaced by G.
Protein change: p.Pro1095Ala; replaces proline 1095 with alanine.
Molecular consequence: missense variant.
Genome position (GRCh38, 1-based): chr1:151,290,778, C>G. VCF-style: chr1-151290778-C-G. GRCh37 (hg19) VCF-style: chr1-151263254-C-G.
Other names: c.3283C>G, p.Pro1095Ala (NM_001304763.2, NM_001304764.2); short protein forms P1095A.
Identifiers: ClinVar variation 4211510 (VCV004211510.2).